The following is an entry in ClinVar:

ClinVar aggregate classification (germline): Likely pathogenic (1 of 4 stars; one submission).

Conditions:
Central core myopathy (CMYO1A). Also called: CONGENITAL MYOPATHY 1A, AUTOSOMAL DOMINANT, WITH SUSCEPTIBILITY TO MALIGNANT HYPERTHERMIA; Central core disease; Myopathy, central fibrillar. Identifiers: Orphanet 597, MedGen C5830701, MONDO:0007294, OMIM 117000.

Submission:

3billion
Classification: Likely pathogenic for Central core myopathy. Last evaluated: 2022-09-01. Review status: criteria provided, single submitter. Criteria: ACMG Guidelines, 2015. Collection method: clinical testing. Allele origin: germline. Affected: yes. Observed: 1 heterozygote.
Comment: The variant is not observed in the gnomAD v2.1.1 dataset. This variant on the canonical splice site is predicted to alter splicing and result in a loss or disruption of normal protein function. Multiple pathogenic loss-of-function variants are reported downstream of the variant. Therefore, this variant is classified as Likely pathogenic according to the recommendation of ACMG/AMP guideline.

NM_000540.3(RYR1):c.2168-1G>A

Gene: RYR1 (ryanodine receptor 1; plus strand). Cytogenetic location: 19q13.2.
Variant type: single nucleotide variant.
Coding change: c.2168-1G>A on transcript NM_000540.3 (MANE Select); the canonical splice acceptor site of the intron before coding-DNA position 2168, G replaced by A.
Molecular consequence: splice acceptor variant.
Genome position (GRCh38, 1-based): chr19:38,459,145, G>A. VCF-style: chr19-38459145-G-A. GRCh37 (hg19) VCF-style: chr19-38949785-G-A.
Other names: c.2168-1G>A (NM_001042723.2).
Identifiers: ClinVar variation 1705733 (VCV001705733.1), dbSNP rs2514048182, ClinGen allele CA405627486.